The following is an entry in ClinVar:

ClinVar aggregate classification (germline): Uncertain significance (1 of 4 stars; one submission).

gnomAD v4.1: 4 of 1,614,028 alleles (0.00025%); highest among the groups gnomAD compares: Non-Finnish European, 0.00034%; no homozygotes.

Submission:

Ambry Genetics
Classification: Uncertain significance. Last evaluated: 2026-07-13. Review status: criteria provided, single submitter. Criteria: Ambry Variant Classification Scheme 2023. Collection method: clinical testing. Allele origin: germline.
Comment: The p.P2L variant (also known as c.5C>T), located in coding exon 1 of the SLMAP gene, results from a C to T substitution at nucleotide position 5. The proline at codon 2 is replaced by leucine, an amino acid with similar properties. This amino acid position is conserved. In addition, the in silico prediction for this alteration is inconclusive. Based on the available evidence, the clinical significance of this variant remains unclear.

NM_001377540.1(SLMAP):c.5C>T (p.Pro2Leu)

Gene: SLMAP (sarcolemma associated protein; plus strand). Cytogenetic location: 3p14.3.
Variant type: single nucleotide variant.
Coding change: c.5C>T on transcript NM_001377540.1 (MANE Select); coding-DNA position 5, C replaced by T.
Protein change: p.Pro2Leu; replaces proline 2 with leucine.
Molecular consequence: missense variant. On other transcripts: non-coding transcript variant (1).
Genome position (GRCh38, 1-based): chr3:57,757,656, C>T. VCF-style: chr3-57757656-C-T. GRCh37 (hg19) VCF-style: chr3-57743383-C-T.
Other names: c.5C>T, p.Pro2Leu (NM_001377549.1, NM_001377551.1, NM_001377552.1 and 17 more transcripts); short protein forms P2L.
Identifiers: ClinVar variation 5029680 (VCV005029680.1).